The following is an entry in ClinVar:

ClinVar aggregate classification (germline): Pathogenic (1 of 4 stars; one submission).

Conditions:
Chédiak-Higashi syndrome (CHS). Also called: Chediak-Higashi Syndrome. Identifiers: Orphanet 167, MedGen C0007965, MONDO:0008963, OMIM 214500.

Submission:

Labcorp Genetics (formerly Invitae), Labcorp
Classification: Pathogenic for Chédiak-Higashi syndrome. Last evaluated: 2021-11-04. Review status: criteria provided, single submitter. Criteria: Invitae Variant Classification Sherloc (09022015). Collection method: clinical testing. Allele origin: germline.
Comment: This sequence change creates a premature translational stop signal (p.Gln2898Argfs*3) in the LYST gene. It is expected to result in an absent or disrupted protein product. Loss-of-function variants in LYST are known to be pathogenic (PMID: 9215679, 11857544). For these reasons, this variant has been classified as Pathogenic. This variant has not been reported in the literature in individuals affected with LYST-related conditions. This variant is not present in population databases (gnomAD no frequency).

Literature cited by the submitters: PubMed 9215679; PubMed 11857544.

NM_000081.4(LYST):c.8691_8692del (p.Gln2898fs)

Gene: LYST (lysosomal trafficking regulator; minus strand). Cytogenetic location: 1q42.3.
Variant type: Deletion.
Coding change: c.8691_8692del on transcript NM_000081.4 (MANE Select); coding-DNA positions 8691 to 8692, 2 bases deleted (CC; older notation c.8691_8692delCC).
Protein change: p.Gln2898fs; shifts the reading frame from glutamine 2898.
Molecular consequence: frameshift variant.
Genome position (GRCh38, 1-based): chr1:235,733,612-235,733,613, GG deleted on the plus strand (CC on the coding strand, the reverse complement: LYST is on the minus strand); deleting any 2 consecutive bases within chr1:235,733,612-235,733,614 gives the same sequence; the c. name uses the placement nearest the transcript's 3' end. VCF-style (leftmost placement, unchanged base first): chr1-235733611-TGG-T. GRCh37 (hg19) VCF-style: chr1-235896911-TGG-T.
Other names: c.8691_8692del, p.Gln2898fs (NM_001301365.1); short protein forms Q2898fs.
Identifiers: ClinVar variation 1452670 (VCV001452670.5), dbSNP rs2527550514, ClinGen allele CA2573132799.